The following is an entry in ClinVar:

NM_005271.5(GLUD1):c.1479C>A (p.Phe493Leu)

Gene: GLUD1 (glutamate dehydrogenase 1; minus strand). Cytogenetic location: 10q23.2.
Variant type: single nucleotide variant.
Coding change: c.1479C>A on transcript NM_005271.5 (MANE Select); coding-DNA position 1479, C replaced by A.
Protein change: p.Phe493Leu; replaces phenylalanine 493 with leucine.
Molecular consequence: missense variant.
Genome position (GRCh38, 1-based): chr10:87,057,706, G>T on the plus strand (C>A on the coding strand, the complement: GLUD1 is on the minus strand). VCF-style: chr10-87057706-G-T. GRCh37 (hg19) VCF-style: chr10-88817463-G-T.
Other names: c.1080C>A, p.Phe360Leu (NM_001318900.1); c.978C>A, p.Phe326Leu (NM_001318901.1, NM_001318902.1, NM_001318904.2 and 2 more transcripts); short protein forms F360L, F493L, F326L.
Identifiers: ClinVar variation 1449697 (VCV001449697.6), dbSNP rs2133788865, ClinGen allele CA377465077.
Genomic context (GRCh38, chr10:87,057,706, plus strand): 5'-GCAGGGAGCATGTGTGAAGTACAACTGTGGGGTCACCACACTCACCGATATCCTGTCTTG[G>T]AACTCTGCCGTGGGTACAATGGGAATAGTTCCACCATGCTTTCCAAATTTTCTTTCTAAA-3'
Protein context (NP_005262.1, residues 483-503): GTIPIVPTAE[Phe493Leu]QDRISGASEK

ClinVar aggregate classification (germline): Uncertain significance (1 of 4 stars; one submission).

Conditions:
Hyperinsulinism-hyperammonemia syndrome (HHF6). Identifiers: Orphanet 35878, MedGen C1847555, MONDO:0011717, OMIM 606762.

Submission:

Labcorp Genetics (formerly Invitae), Labcorp
Classification: Uncertain significance for Hyperinsulinism-hyperammonemia syndrome. Last evaluated: 2021-08-05. Review status: criteria provided, single submitter. Criteria: Invitae Variant Classification Sherloc (09022015). Collection method: clinical testing. Allele origin: germline.
Comment: This sequence change replaces phenylalanine with leucine at codon 493 of the GLUD1 protein (p.Phe493Leu). The phenylalanine residue is highly conserved and there is a small physicochemical difference between phenylalanine and leucine. This variant is not present in population databases (ExAC no frequency). This missense change has been observed in individual(s) with hyperinsulinism-hyperammonemia syndrome (PMID: 10871207). In at least one individual the variant was observed to be de novo. This variant is also known as C1492A (Phe440Leu). Algorithms developed to predict the effect of missense changes on protein structure and function are either unavailable or do not agree on the potential impact of this missense change (SIFT: "Not Available"; PolyPhen-2: "Benign"; Align-GVGD: "Not Available"). In summary, the available evidence is currently insufficient to determine the role of this variant in disease. Therefore, it has been classified as a Variant of Uncertain Significance.

Literature cited by the submitters: PubMed 10871207.